The following is an entry in ClinVar:

ClinVar aggregate classification (germline): Uncertain significance. Review status: criteria provided, multiple submitters, no conflicts (2 of 4 stars). 2 submissions from 2 submitters: Uncertain significance (2). Last evaluated 2025-08-24.

Conditions:
Multiple acyl-CoA dehydrogenase deficiency (MADD). Also called: ETHYLMALONIC-ADIPICACIDURIA; GA II; Glutaric aciduria, type 2; Glutaric acidemia type II; GA 2; Glutaric Acidemia type 2. Identifiers: Orphanet 26791, MedGen C0268596, MONDO:0009282, OMIM 231680.
Inborn genetic diseases. Identifiers: MedGen C0950123, MeSH D030342.

Allele frequency attached by ClinVar (database versions not stated): ExAC 0.00001.
gnomAD v4.1: 7 of 1,613,250 alleles (0.00043%); highest among the groups gnomAD compares: East Asian, 0.0045%; no homozygotes.

Submissions (2):

Ambry Genetics
Classification: Uncertain significance for Inborn genetic diseases. Last evaluated: 2025-08-24. Review status: criteria provided, single submitter. Criteria: Ambry Variant Classification Scheme 2023. Collection method: clinical testing. Allele origin: germline.

Labcorp Genetics (formerly Invitae), Labcorp
Classification: Uncertain significance for Multiple acyl-CoA dehydrogenase deficiency. Last evaluated: 2022-08-21. Review status: criteria provided, single submitter. Criteria: Invitae Variant Classification Sherloc (09022015). Collection method: clinical testing. Allele origin: germline.
Comment: This sequence change replaces alanine, which is neutral and non-polar, with serine, which is neutral and polar, at codon 112 of the ETFA protein (p.Ala112Ser). This variant is present in population databases (rs766127651, gnomAD 0.003%). This variant has not been reported in the literature in individuals affected with ETFA-related conditions. Algorithms developed to predict the effect of missense changes on protein structure and function are either unavailable or do not agree on the potential impact of this missense change (SIFT: "Tolerated"; PolyPhen-2: "Possibly Damaging"; Align-GVGD: "Class C0"). In summary, the available evidence is currently insufficient to determine the role of this variant in disease. Therefore, it has been classified as a Variant of Uncertain Significance.

NM_000126.4(ETFA):c.334G>T (p.Ala112Ser)

Gene: ETFA (electron transfer flavoprotein subunit alpha; minus strand). Cytogenetic location: 15q24.2.
Variant type: single nucleotide variant.
Coding change: c.334G>T on transcript NM_000126.4 (MANE Select); coding-DNA position 334, G replaced by T.
Protein change: p.Ala112Ser; replaces alanine 112 with serine.
Molecular consequence: missense variant.
Genome position (GRCh38, 1-based): chr15:76,292,448, C>A on the plus strand (G>T on the coding strand, the complement: ETFA is on the minus strand). VCF-style: chr15-76292448-C-A. GRCh37 (hg19) VCF-style: chr15-76584789-C-A.
Other names: c.334G>T (NM_000126.3); c.187G>T, p.Ala63Ser (NM_001127716.2); short protein forms A112S, A63S.
Identifiers: ClinVar variation 1981648 (VCV001981648.2), dbSNP rs766127651, ClinGen allele CA7673795.